The following is an entry in ClinVar:

ClinVar aggregate classification (germline): Uncertain significance. Review status: criteria provided, multiple submitters, no conflicts (2 of 4 stars). 5 submissions from 5 submitters: Uncertain significance (5). Last evaluated 2025-11-17.

Conditions:
Hajdu-Cheney syndrome (HJCYS). Also called: ACROOSTEOLYSIS WITH OSTEOPOROSIS AND CHANGES IN SKULL AND MANDIBLE; SERPENTINE FIBULA-POLYCYSTIC KIDNEY SYNDROME; Acroosteolysis dominant type. Identifiers: Orphanet 955, MedGen C0917715, MONDO:0007057, OMIM 102500.
Alagille syndrome due to a NOTCH2 point mutation. Also called: Alagille syndrome 2. Identifiers: Orphanet 261629, Orphanet 52, MedGen C1857761, MONDO:0012439, OMIM 610205.

Allele frequency attached by ClinVar (database versions not stated): TOPMed 0.00002.
gnomAD v4.1: 20 of 1,614,048 alleles (0.0012%); highest among the groups gnomAD compares: Middle Eastern, 0.016%; no homozygotes.

Submissions (5):

Labcorp Genetics (formerly Invitae), Labcorp
Classification: Uncertain significance for Hajdu-Cheney syndrome. Last evaluated: 2025-11-17. Review status: criteria provided, single submitter. Criteria: Invitae Variant Classification Sherloc (09022015). Collection method: clinical testing. Allele origin: germline.
Comment: This sequence change replaces asparagine, which is neutral and polar, with serine, which is neutral and polar, at codon 2035 of the NOTCH2 protein (p.Asn2035Ser). This variant is present in population databases (rs756949183, gnomAD 0.006%). This missense change has been observed in individual(s) with clinical features of NOTCH2-related conditions (PMID: 30366773). ClinVar contains an entry for this variant (Variation ID: 502696). Invitae Evidence Modeling of protein sequence and biophysical properties (such as structural, functional, and spatial information, amino acid conservation, physicochemical variation, residue mobility, and thermodynamic stability) indicates that this missense variant is not expected to disrupt NOTCH2 protein function with a negative predictive value of 80%. In summary, the available evidence is currently insufficient to determine the role of this variant in disease. Therefore, it has been classified as a Variant of Uncertain Significance.

GeneDx
Classification: Uncertain significance. Last evaluated: 2025-02-18. Review status: criteria provided, single submitter. Criteria: GeneDx Variant Classification Process June 2021. Collection method: clinical testing. Allele origin: germline. Affected: yes.
Comment: Reported as heterozygous in a patient with progressive familial intrahepatic cholestasis, however, variants in additional genes associated with genetic liver disease were also identified (PMID: 30366773); In silico analysis supports that this missense variant has a deleterious effect on protein structure/function; This variant is associated with the following publications: (PMID: 30366773)

Women's Health and Genetics/Laboratory Corporation of America, LabCorp
Classification: Uncertain significance. Last evaluated: 2024-05-28. Review status: criteria provided, single submitter. Criteria: LabCorp Variant Classification Summary - May 2015. Collection method: clinical testing. Allele origin: germline.
Comment: Variant summary: NOTCH2 c.6104A>G (p.Asn2035Ser) results in a conservative amino acid change in the encoded protein sequence. Three of five in-silico tools predict a benign effect of the variant on protein function. The variant allele was found at a frequency of 2.4e-05 in 249416 control chromosomes (gnomAD). The available data on variant occurrences in the general population are insufficient to allow any conclusion about variant significance. c.6104A>G has been reported in the literature in at least an individual affected with progressive familial intrahepatic cholestasis (example: Chen_2019). These report(s) do not provide unequivocal conclusions about association of the variant with Hajdu-Cheney Syndrome. To our knowledge, no experimental evidence demonstrating an impact on protein function has been reported. The following publication have been ascertained in the context of this evaluation (PMID: 30366773). ClinVar contains an entry for this variant (Variation ID: 502696). Based on the evidence outlined above, the variant was classified as uncertain significance.

Fulgent Genetics
Classification: Uncertain significance for Hajdu-Cheney syndrome; Alagille syndrome due to a NOTCH2 point mutation. Last evaluated: 2024-03-19. Review status: criteria provided, single submitter. Criteria: ACMG Guidelines, 2015. Collection method: clinical testing. Allele origin: germline.

Eurofins Ntd Llc (ga)
Classification: Uncertain significance. Last evaluated: 2017-06-22. Review status: criteria provided, single submitter. Criteria: EGL Classification Definitions 2015. Collection method: clinical testing. Allele origin: germline. Observed: 1 variant allele, 1 heterozygote.

Literature cited by the submitters: PubMed 30366773 (cited by Labcorp Genetics (formerly Invitae), Labcorp and Women's Health and Genetics/Laboratory Corporation of America, LabCorp).

NM_024408.4(NOTCH2):c.6104A>G (p.Asn2035Ser)

Gene: NOTCH2 (notch receptor 2; minus strand). Cytogenetic location: 1p12.
Variant type: single nucleotide variant.
Coding change: c.6104A>G on transcript NM_024408.4 (MANE Select); coding-DNA position 6104, A replaced by G.
Protein change: p.Asn2035Ser; replaces asparagine 2035 with serine.
Molecular consequence: missense variant.
Genome position (GRCh38, 1-based): chr1:119,916,618, T>C on the plus strand (A>G on the coding strand, the complement: NOTCH2 is on the minus strand). VCF-style: chr1-119916618-T-C. GRCh37 (hg19) VCF-style: chr1-120459241-T-C.
Other names: c.6104A>G (NM_024408.3); short protein forms N2035S.
Identifiers: ClinVar variation 502696 (VCV000502696.16), dbSNP rs756949183, ClinGen allele CA1039489.